The following is an entry in ClinVar:

ClinVar aggregate classification (germline): other (0 of 4 stars; one submission).

Conditions:
Familial colorectal cancer. Identifiers: MedGen CN280943, MONDO:0023113. Disease mechanism: loss of function.

Submission:

Systems Biology Platform Zhejiang California International NanoSystems Institute
Classification: other for Familial colorectal cancer. Review status: no assertion criteria provided. Collection method: not provided. Allele origin: unknown.
ClinVar note: Converted during submission from cancer to other.

NM_000038.6(APC):c.-19+1416G>T

Gene: APC (APC regulator of WNT signaling pathway; plus strand). Cytogenetic location: 5q22.2.
Variant type: single nucleotide variant.
Coding change: c.-19+1416G>T on transcript NM_000038.6 (MANE Select); 1416 bases into the intron after 19 bases upstream of the start codon, G replaced by T.
Molecular consequence: intron variant.
Genome position (GRCh38, 1-based): chr5:112,739,341, G>T. VCF-style: chr5-112739341-G-T. GRCh37 (hg19) VCF-style: chr5-112075038-G-T.
Other names: c.-18-15532G>T (NM_001354895.2); c.166-26985G>T (NM_001354897.2, NM_001354902.2, NM_001127511.3); c.-19+881G>T (NM_001127510.3); c.60+881G>T (NM_001354898.2, NM_001354904.2); c.-1054+1416G>T (NM_001354906.2); c.-19+1416G>T (NM_001354896.2, NM_001354903.2, NM_001354899.2); c.-43+1416G>T (NM_001354900.2, NM_001354901.2, NM_001354905.2).
Identifiers: ClinVar variation 82750 (VCV000082750.2), dbSNP rs77310566, ClinGen allele CA006342.